The following is an entry in ClinVar:

NM_032776.3(JMJD1C):c.2801G>A (p.Arg934Gln)

Gene: JMJD1C (jumonji domain containing 1C; minus strand). Cytogenetic location: 10q21.3.
Variant type: single nucleotide variant.
Coding change: c.2801G>A on transcript NM_032776.3 (MANE Select); coding-DNA position 2801, G replaced by A.
Protein change: p.Arg934Gln; replaces arginine 934 with glutamine.
Molecular consequence: missense variant. On other transcripts: non-coding transcript variant (1).
Genome position (GRCh38, 1-based): chr10:63,209,129, C>T on the plus strand (G>A on the coding strand, the complement: JMJD1C is on the minus strand). VCF-style: chr10-63209129-C-T. GRCh37 (hg19) VCF-style: chr10-64968889-C-T.
Other names: c.2801G>A (NM_032776.1); c.2255G>A, p.Arg752Gln (NM_001282948.2, NM_001318154.2); c.1937G>A, p.Arg646Gln (NM_001318153.2); c.2687G>A, p.Arg896Gln (NM_001322252.2); c.2144G>A, p.Arg715Gln (NM_001322254.2, NM_001322258.2); short protein forms R715Q, R752Q, R934Q, R896Q, R646Q.
Identifiers: ClinVar variation 2733654 (VCV002733654.4), dbSNP rs750206185, ClinGen allele CA5518559.
Genomic context (GRCh38, chr10:63,209,129, plus strand): 5'-TGATGATCTACTAAAGTTTTTGTCAATGGTGGACTGGAATGGGCTGTAATTTTAAGAGGC[C>T]GATGAGGCTCTGCACTGGAAGGTCTGACAGGAATGTGACTAAGTAATCCAATACCATCTG-3'
Protein context (NP_116165.1, residues 924-944): PVRPSSAEPH[Arg934Gln]PLKITAHSSP

ClinVar aggregate classification (germline): Uncertain significance. Review status: criteria provided, multiple submitters, no conflicts (2 of 4 stars). 2 submissions from 2 submitters: Uncertain significance (2). Last evaluated 2025-09-05.

Conditions:
Early Myoclonic Encephalopathy. Identifiers: MedGen C0270855.

Allele frequency attached by ClinVar (database versions not stated): TOPMed 0.00001; gnomAD exomes 0.00002; ExAC 0.00002; gnomAD 0.00001.
gnomAD v4.1: 31 of 1,613,706 alleles (0.0019%); highest among the groups gnomAD compares: East Asian, 0.04%; no homozygotes.

Submissions (2):

Ambry Genetics
Classification: Uncertain significance. Last evaluated: 2025-09-05. Review status: criteria provided, single submitter. Criteria: Ambry Variant Classification Scheme 2023. Collection method: clinical testing. Allele origin: germline.

Labcorp Genetics (formerly Invitae), Labcorp
Classification: Uncertain significance for Early Myoclonic Encephalopathy. Last evaluated: 2025-02-10. Review status: criteria provided, single submitter. Criteria: Invitae Variant Classification Sherloc (09022015). Collection method: clinical testing. Allele origin: germline.
Comment: This sequence change replaces arginine, which is basic and polar, with glutamine, which is neutral and polar, at codon 934 of the JMJD1C protein (p.Arg934Gln). This variant is present in population databases (rs750206185, gnomAD 0.02%). This variant has not been reported in the literature in individuals affected with JMJD1C-related conditions. ClinVar contains an entry for this variant (Variation ID: 2733654). Invitae Evidence Modeling of protein sequence and biophysical properties (such as structural, functional, and spatial information, amino acid conservation, physicochemical variation, residue mobility, and thermodynamic stability) indicates that this missense variant is expected to disrupt JMJD1C protein function with a positive predictive value of 80%. In summary, the available evidence is currently insufficient to determine the role of this variant in disease. Therefore, it has been classified as a Variant of Uncertain Significance.